The following is an entry in ClinVar:

ClinVar aggregate classification (germline): Uncertain significance (1 of 4 stars; one submission).

Allele frequency attached by ClinVar (database versions not stated): ExAC 0.00001; gnomAD exomes 0.00001.
gnomAD v4.1: 10 of 1,604,670 alleles (0.00062%); highest among the groups gnomAD compares: East Asian, 0.0022%; no homozygotes.

Submission:

Labcorp Genetics (formerly Invitae), Labcorp
Classification: Uncertain significance. Last evaluated: 2021-11-29. Review status: criteria provided, single submitter. Criteria: Invitae Variant Classification Sherloc (09022015). Collection method: clinical testing. Allele origin: germline.
Comment: This sequence change replaces threonine, which is neutral and polar, with serine, which is neutral and polar, at codon 397 of the PRDM5 protein (p.Thr397Ser). This variant is present in population databases (rs763221182, gnomAD 0.002%). This variant has not been reported in the literature in individuals affected with PRDM5-related conditions. Algorithms developed to predict the effect of missense changes on protein structure and function are either unavailable or do not agree on the potential impact of this missense change (SIFT: "Tolerated"; PolyPhen-2: "Possibly Damaging"; Align-GVGD: "Class C0"). In summary, the available evidence is currently insufficient to determine the role of this variant in disease. Therefore, it has been classified as a Variant of Uncertain Significance.

NM_018699.4(PRDM5):c.1190C>G (p.Thr397Ser)

Gene: PRDM5 (PR/SET domain 5; minus strand). Cytogenetic location: 4q27.
Variant type: single nucleotide variant.
Coding change: c.1190C>G on transcript NM_018699.4 (MANE Select); coding-DNA position 1190, C replaced by G.
Protein change: p.Thr397Ser; replaces threonine 397 with serine.
Molecular consequence: missense variant.
Genome position (GRCh38, 1-based): chr4:120,785,090, G>C on the plus strand (C>G on the coding strand, the complement: PRDM5 is on the minus strand). VCF-style: chr4-120785090-G-C. GRCh37 (hg19) VCF-style: chr4-121706245-G-C.
Other names: c.1097C>G, p.Thr366Ser (NM_001300823.2, NM_001300824.2, NM_001379106.1); c.1223C>G, p.Thr408Ser (NM_001379104.1); short protein forms T408S, T397S, T366S.
Identifiers: ClinVar variation 1465129 (VCV001465129.3), dbSNP rs763221182, ClinGen allele CA3061116.